The following is an entry in ClinVar:

NM_014055.4(IFT81):c.1848+5G>T

Gene: IFT81 (intraflagellar transport 81; plus strand). Cytogenetic location: 12q24.11.
Variant type: single nucleotide variant.
Coding change: c.1848+5G>T on transcript NM_014055.4 (MANE Select); 5 bases into the intron after coding-DNA position 1848, G replaced by T.
Molecular consequence: intron variant.
Genome position (GRCh38, 1-based): chr12:110,209,221, G>T. VCF-style: chr12-110209221-G-T. GRCh37 (hg19) VCF-style: chr12-110647026-G-T.
Other names: c.918+5G>T (NM_001347948.2, NM_001347947.2); c.1848+5G>T (NM_001143779.2).
Identifiers: ClinVar variation 1378381 (VCV001378381.6), dbSNP rs780540872, ClinGen allele CA6783501.

ClinVar aggregate classification (germline): Uncertain significance (1 of 4 stars; one submission).

Allele frequency attached by ClinVar (database versions not stated): ExAC 0.00002; gnomAD exomes 0.00002.
gnomAD v4.1: 5 of 1,477,764 alleles (0.00034%); highest among the groups gnomAD compares: East Asian, 0.011%; no homozygotes.

Submission:

Labcorp Genetics (formerly Invitae), Labcorp
Classification: Uncertain significance. Last evaluated: 2021-08-28. Review status: criteria provided, single submitter. Criteria: Invitae Variant Classification Sherloc (09022015). Collection method: clinical testing. Allele origin: germline.
Comment: This sequence change falls in intron 18 of the IFT81 gene. It does not directly change the encoded amino acid sequence of the IFT81 protein. It affects a nucleotide within the consensus splice site of the intron. This variant is present in population databases (rs780540872, ExAC 0.03%). This variant has not been reported in the literature in individuals affected with IFT81-related conditions. Variants that disrupt the consensus splice site are a relatively common cause of aberrant splicing (PMID: 17576681, 9536098). Algorithms developed to predict the effect of sequence changes on RNA splicing suggest that this variant may disrupt the consensus splice site. In summary, the available evidence is currently insufficient to determine the role of this variant in disease. Therefore, it has been classified as a Variant of Uncertain Significance.

Literature cited by the submitters: PubMed 17576681; PubMed 9536098.